The following is an entry in ClinVar:

NM_004415.4(DSP):c.3661A>G (p.Ile1221Val)

Gene: DSP (desmoplakin; plus strand). Cytogenetic location: 6p24.3.
Variant type: single nucleotide variant.
Coding change: c.3661A>G on transcript NM_004415.4 (MANE Select); coding-DNA position 3661, A replaced by G.
Protein change: p.Ile1221Val; replaces isoleucine 1221 with valine.
Molecular consequence: missense variant. On other transcripts: intron variant (1).
Genome position (GRCh38, 1-based): chr6:7,579,851, A>G. VCF-style: chr6-7579851-A-G. GRCh37 (hg19) VCF-style: chr6-7580084-A-G.
Other names: p.I1221V:ATC>GTC; c.3582+79A>G (NM_001008844.3); c.3661A>G, p.Ile1221Val (NM_001319034.2); c.3661A>G (LRG_423t1); short protein forms I1221V.
Identifiers: ClinVar variation 199878 (VCV000199878.17), dbSNP rs794728120, ClinGen allele CA004450.

ClinVar aggregate classification (germline): Conflicting classifications of pathogenicity. Review status: criteria provided, conflicting classifications (1 of 4 stars). 5 submissions from 5 submitters: Uncertain significance (4); Likely benign (1). Last evaluated 2025-12-03.

Conditions:
Cardiovascular phenotype. Identifiers: MedGen CN230736.
Arrhythmogenic cardiomyopathy with wooly hair and keratoderma. Also called: Carvajal syndrome; Dilated cardiomyopathy with woolly hair and keratoderma; Arrhythmogenic cardiomyopathy with woolly hair and keratoderma; PALMOPLANTAR KERATODERMA WITH LEFT VENTRICULAR CARDIOMYOPATHY AND WOOLLY HAIR. Identifiers: Orphanet 65282, MedGen C1854063, MONDO:0011581, OMIM 605676.
Arrhythmogenic right ventricular dysplasia 8 (ARVD8). Also called: Arrhythmogenic Right Ventricular Dysplasia/Cardiomyopathy 8; ARRHYTHMOGENIC RIGHT VENTRICULAR CARDIOMYOPATHY 8; ARRHYTHMOGENIC RIGHT VENTRICULAR DYSPLASIA, FAMILIAL, 8. Identifiers: MedGen C1843896, MONDO:0011831, OMIM 607450.
Cardiomyopathy (CMYO). Also called: Cardiomyopathies. Identifiers: Orphanet 167848, MedGen C0878544, MONDO:0004994, HP:0001638. Inheritance: Various modes of inheritance.

Allele frequency attached by ClinVar (database versions not stated): gnomAD exomes 0.00001 and 0.00002; gnomAD 0.00002 and 0.00003; TOPMed 0.00002.
gnomAD v4.1: 15 of 1,614,074 alleles (0.00093%); highest among the groups gnomAD compares: African/African-American, 0.0013%; no homozygotes.

Submissions (5):

Labcorp Genetics (formerly Invitae), Labcorp
Classification: Likely benign for Arrhythmogenic cardiomyopathy with wooly hair and keratoderma; Arrhythmogenic right ventricular dysplasia 8. Last evaluated: 2025-12-03. Review status: criteria provided, single submitter. Criteria: Invitae Variant Classification Sherloc (09022015). Collection method: clinical testing. Allele origin: germline.

Ambry Genetics
Classification: Uncertain significance for Cardiovascular phenotype. Last evaluated: 2025-04-10. Review status: criteria provided, single submitter. Criteria: Ambry Variant Classification Scheme 2023. Collection method: clinical testing. Allele origin: germline.
Comment: The p.I1221V variant (also known as c.3661A>G), located in coding exon 23 of the DSP gene, results from an A to G substitution at nucleotide position 3661. The isoleucine at codon 1221 is replaced by valine, an amino acid with highly similar properties. This amino acid position is well conserved in available vertebrate species; however, valine is the reference amino acid in two species. In addition, the in silico prediction for this alteration is inconclusive. Based on the available evidence, the clinical significance of this variant remains unclear.

Molecular Diagnostic Laboratory for Inherited Cardiovascular Disease, Montreal Heart Institute
Classification: Uncertain significance for Cardiovascular phenotype. Last evaluated: 2025-02-17. Review status: criteria provided, single submitter. Criteria: ACMG Guidelines, 2015. Collection method: clinical testing. Allele origin: germline. Affected: yes.

Color Diagnostics, LLC DBA Color Health
Classification: Uncertain significance for Cardiomyopathy. Last evaluated: 2024-02-19. Review status: criteria provided, single submitter. Criteria: ACMG Guidelines, 2015. Collection method: clinical testing. Allele origin: germline.
Comment: This missense variant replaces isoleucine with valine at codon 1221 of the DSP protein. Computational prediction suggests that this variant may not impact protein structure and function (internally defined REVEL score threshold <= 0.5, PMID: 27666373). To our knowledge, functional studies have not been reported for this variant. This variant has not been reported in individuals affected with DSP-related disorders in the literature. This variant has been identified in 4/282520 chromosomes in the general population by the Genome Aggregation Database (gnomAD). The available evidence is insufficient to determine the role of this variant in disease conclusively. Therefore, this variant is classified as a Variant of Uncertain Significance.

GeneDx
Classification: Uncertain significance. Last evaluated: 2020-03-02. Review status: criteria provided, single submitter. Criteria: GeneDx Variant Classification Process June 2021. Collection method: clinical testing. Allele origin: germline. Affected: yes.
Comment: Not observed at a significant frequency in large population cohorts (Lek et al., 2016); In silico analysis supports that this missense variant does not alter protein structure/function; Has not been previously published as pathogenic or benign to our knowledge